The following is an entry in ClinVar:

ClinVar aggregate classification (germline): Uncertain significance. Review status: reviewed by expert panel (3 of 4 stars). 3 submissions from 3 submitters: Uncertain significance (1). 2 of the submissions do not count toward it. Last evaluated 2026-08-18.

Conditions:
Alexander disease (ALXDRD). Also called: Alexander's disease. Identifiers: Orphanet 58, MedGen C0270726, MONDO:0008752, OMIM 203450.

Submissions (3):

ClinGen Leukodystrophy and Leukoencephalopathy Variant Curation Expert Panel, ClinGen
Classification: Uncertain significance for Alexander disease. Last evaluated: 2026-08-18. Review status: reviewed by expert panel. Criteria: ClinGen Leuko ACMG Specifications GFAP V1.0. Collection method: curation. Allele origin: germline. Inheritance: Autosomal dominant inheritance.
Comment: The NM_002055.5(GFAP):c.19_21del variant in GFAP is a predicted to cause a an in-frame deletion of 3 base pairs in a non-repeat region (p.Thr7del). The total allele frequency in gnomAD v4.1.1 is 6.28e-7 (1/11441312 alleles) (PM2_Supporting, BS1, and BA1 not met).This variant has not been reported in any probands/families meeting phenotypic criteria for Alexander disease. In summary, this variant meets the criteria to be classified as variant of uncertain significance based on the variant not meeting any of the ACMG/AMP criteria, as specified by the ClinGen Leukodystrophy and Leukoencephalopathy VCEP: None (ClinGen Leukodystrophy and Leukoencephalopathy VCEP Specifications Version 1.0.0).

Dasa
Classification: Uncertain significance. Last evaluated: 2026-01-28. Review status: criteria provided, single submitter. Criteria: DASA Assertion Criteria. Collection method: clinical testing. Allele origin: germline. Not counted in ClinVar's aggregate classification.
Comment: NM_002055.5(GFAP):c.19_21del (p.Thr7del) is an in-frame deletion predicted to remove threonine at protein position 7 without shifting the reading frame. This variant is rare in population databases. The currently available literature and clinical evidence are not sufficient to establish a definitive association between this variant and the reported condition. Therefore, this variant is classified as a variant of uncertain significance.

Labcorp Genetics (formerly Invitae), Labcorp
Classification: Uncertain significance. Last evaluated: 2022-04-25. Review status: criteria provided, single submitter. Criteria: Invitae Variant Classification Sherloc (09022015). Collection method: clinical testing. Allele origin: germline. Not counted in ClinVar's aggregate classification.
Comment: This variant has not been reported in the literature in individuals affected with GFAP-related conditions. In summary, the available evidence is currently insufficient to determine the role of this variant in disease. Therefore, it has been classified as a Variant of Uncertain Significance. Experimental studies and prediction algorithms are not available or were not evaluated, and the functional significance of this variant is currently unknown. This variant is present in population databases (rs766957916, gnomAD 0.001%). This variant, c.19_21del, results in the deletion of 1 amino acid(s) of the GFAP protein (p.Thr7del), but otherwise preserves the integrity of the reading frame.

NM_002055.5(GFAP):c.19_21del (p.Thr7del)

Gene: GFAP (glial fibrillary acidic protein; minus strand). Cytogenetic location: 17q21.31.
Variant type: Deletion.
Coding change: c.19_21del on transcript NM_002055.5 (MANE Select); coding-DNA positions 19 to 21, 3 bases deleted (ACC; older notation c.19_21delACC).
Protein change: p.Thr7del; deletes threonine 7.
Molecular consequence: inframe deletion.
Genome position (GRCh38, 1-based): chr17:44,915,466-44,915,468, GGT deleted on the plus strand (ACC on the coding strand, the reverse complement: GFAP is on the minus strand); deleting any 3 consecutive bases within chr17:44,915,466-44,915,469 gives the same sequence; the c. name uses the placement nearest the transcript's 3' end. VCF-style (leftmost placement, unchanged base first): chr17-44915465-AGGT-A. GRCh37 (hg19) VCF-style: chr17-42992833-AGGT-A.
Other names: NM_002055.5(GFAP):c.19_21del; p.Thr7del; c.19_21del, p.Thr7del (NM_001131019.3, NM_001242376.3, NM_001363846.2); short protein forms T7del.
Identifiers: ClinVar variation 2130747 (VCV002130747.7), dbSNP rs766957916, ClinGen allele CA8609132.
Genomic context (GRCh38, chr17:44,915,465, plus strand): 5'-CAGGAGCCAGGCCCCCCACCATCATCTCCCCTGAGGAGACGTAGGAGCGGCGAGCAGCGG[AGGT>A]GATGCGTCTCCTCTCCATCCTGCTCTGGCTCTGCTCGCTCCTGGGATGCGAGGGCTTTAT-3'